The following is an entry in ClinVar:

NM_001277115.2(DNAH11):c.8940+1G>T

Gene: DNAH11 (dynein axonemal heavy chain 11; plus strand). Cytogenetic location: 7p15.3.
Variant type: single nucleotide variant.
Coding change: c.8940+1G>T on transcript NM_001277115.2 (MANE Select); the canonical splice donor site of the intron after coding-DNA position 8940, G replaced by T.
Molecular consequence: splice donor variant.
Genome position (GRCh38, 1-based): chr7:21,750,365, G>T. VCF-style: chr7-21750365-G-T. GRCh37 (hg19) VCF-style: chr7-21789983-G-T.
Identifiers: ClinVar variation 1765190 (VCV001765190.3), dbSNP rs2535137725, ClinGen allele CA366956493.
Genomic context (GRCh38, chr7:21,750,365, plus strand): 5'-GTAGACTCCAGGGAAAACTGTTGGAAATTCTTTATGGCCAGGGTGCGACTACAGCTCAAA[G>T]TAAGAAATACTTGCTTAATTTGCATGTTAGTTAAAACCTGCTATTGCAACTCTCTGGTTC-3'

ClinVar aggregate classification (germline): Conflicting classifications of pathogenicity. Review status: criteria provided, conflicting classifications (1 of 4 stars). 2 submissions from 2 submitters: Likely pathogenic (1); Uncertain significance (1). Last evaluated 2021-04-29.

Conditions:
Primary ciliary dyskinesia. Also called: Ciliary dyskinesia. Identifiers: Orphanet 244, MedGen C0008780, MONDO:0016575, HP:0012265.
DNAH11-related disorders.

Submissions (2):

Blueprint Genetics
Classification: Likely pathogenic for DNAH11-related disorders. Last evaluated: 2021-04-29. Review status: criteria provided, single submitter. Criteria: ACMG Guidelines, 2015. Collection method: clinical testing. Allele origin: germline. Affected: yes. Observed: 1 variant allele.

Ambry Genetics
Classification: Uncertain significance for Primary ciliary dyskinesia. Last evaluated: 2020-08-21. Review status: criteria provided, single submitter. Criteria: Ambry Variant Classification Scheme 2023. Collection method: clinical testing. Allele origin: germline.
Comment: The c.8940+1G>T intronic variant results from a G to T substitution one nucleotide after coding exon 54 of the DNAH11 gene. One of the resulting transcripts is predicted to be in-frame and is not expected to trigger nonsense-mediated mRNAdecay; however, direct evidence is unavailable. This nucleotide position is highly conserved in available vertebrate species. In silico splice site analysis predicts that this alteration will weaken the native splice donor site. The exact functional effect of the missing amino acids is unknown. Since supporting evidence is limited at this time, the clinical significance of this alteration remains unclear.